The following is an entry in ClinVar:

ClinVar aggregate classification (germline): Likely benign. Review status: criteria provided, multiple submitters, no conflicts (2 of 4 stars). 3 submissions from 3 submitters: Likely benign (2). 1 of the submissions does not count toward it. Last evaluated 2025-06-12.

Conditions:
Senior-Loken syndrome 7 (SLSN7). Identifiers: Orphanet 3156, MedGen C3150877, MONDO:0013326, OMIM 613615.
Bardet-Biedl syndrome 16 (BBS16). Identifiers: Orphanet 110, MedGen C3889474, MONDO:0014444, OMIM 615993.
SDCCAG8-related disorder. Also called: SDCCAG8-Related Disorders; SDCCAG8-related condition.

Allele frequency attached by ClinVar (database versions not stated): gnomAD 0.00004; ExAC 0.00001; TOPMed 0.00003.
gnomAD v4.1: 11 of 1,613,336 alleles (0.00068%); highest among the groups gnomAD compares: African/African-American, 0.013%; no homozygotes.

Submissions (3):

Labcorp Genetics (formerly Invitae), Labcorp
Classification: Likely benign for Bardet-Biedl syndrome 16; Senior-Loken syndrome 7. Last evaluated: 2025-06-12. Review status: criteria provided, single submitter. Criteria: Invitae Variant Classification Sherloc (09022015). Collection method: clinical testing. Allele origin: germline.

Blueprint Genetics
Classification: Likely benign. Last evaluated: 2020-09-28. Review status: criteria provided, single submitter. Criteria: ACMG Guidelines, 2015. Collection method: clinical testing. Allele origin: germline.

PreventionGenetics, part of Exact Sciences
Classification: Likely benign for SDCCAG8-related condition. Last evaluated: 2020-01-27. Review status: no assertion criteria provided. Collection method: clinical testing. Allele origin: germline. Not counted in ClinVar's aggregate classification.
Comment: This variant is classified as likely benign based on ACMG/AMP sequence variant interpretation guidelines (Richards et al. 2015 PMID: 25741868, with internal and published modifications).

NM_006642.5(SDCCAG8):c.2034G>C (p.Val678=)

Genes: AKT3 (AKT serine/threonine kinase 3; minus strand), SDCCAG8 (SHH signaling and ciliogenesis regulator SDCCAG8; plus strand). Cytogenetic location: 1q43.
Variant type: single nucleotide variant.
Coding change: c.2034G>C on transcript NM_006642.5 (MANE Select); coding-DNA position 2034, G replaced by C.
Protein change: p.Val678=; no amino-acid change (valine 678 retained).
Molecular consequence: synonymous variant. On other transcripts: intron variant (1).
Genome position (GRCh38, 1-based): chr1:243,489,062, G>C. VCF-style: chr1-243489062-G-C. GRCh37 (hg19) VCF-style: chr1-243652364-G-C.
Other names: c.1131G>C, p.Val377= (NM_001350246.2, NM_001350247.2, NM_001350251.2); c.2130G>C, p.Val710= (NM_001350248.2); c.1740G>C, p.Val580= (NM_001350249.2); c.*7-612C>G (NM_181690.2).
Identifiers: ClinVar variation 2082989 (VCV002082989.7), dbSNP rs777427404, ClinGen allele CA1483822.